The following is an entry in ClinVar:

ClinVar aggregate classification (germline): Uncertain significance (1 of 4 stars; one submission).

gnomAD v4.1: 3 of 1,613,658 alleles (0.00019%); highest among the groups gnomAD compares: South Asian, 0.0011%; no homozygotes.

Submission:

GeneDx
Classification: Uncertain significance. Last evaluated: 2024-05-30. Review status: criteria provided, single submitter. Criteria: GeneDx Variant Classification Process June 2021. Collection method: clinical testing. Allele origin: germline. Affected: yes.
Comment: Identified in a cohort of patients with severe clinical obesity and reported to result in near wild-type SIM1 activity (Vogel et al., 2022, American College of Medical Genetics 2022 Annual Meeting); Not observed at significant frequency in large population cohorts (gnomAD); In silico analysis indicates that this missense variant does not alter protein structure/function; This variant is associated with the following publications: (PMID: Vogel2022[Poster])

NM_005068.3(SIM1):c.442T>C (p.Ser148Pro)

Gene: SIM1 (SIM bHLH transcription factor 1; minus strand). Cytogenetic location: 6q16.3.
Variant type: single nucleotide variant.
Coding change: c.442T>C on transcript NM_005068.3 (MANE Select); coding-DNA position 442, T replaced by C.
Protein change: p.Ser148Pro; replaces serine 148 with proline.
Molecular consequence: missense variant.
Genome position (GRCh38, 1-based): chr6:100,449,606, A>G on the plus strand (T>C on the coding strand, the complement: SIM1 is on the minus strand). VCF-style: chr6-100449606-A-G. GRCh37 (hg19) VCF-style: chr6-100897482-A-G.
Other names: c.442T>C, p.Ser148Pro (NM_001374769.1); short protein forms S148P.
Identifiers: ClinVar variation 3383818 (VCV003383818.1).